The following is an entry in ClinVar:

ClinVar aggregate classification (germline): Uncertain significance (1 of 4 stars; one submission).

Conditions:
Cardiomyopathy (CMYO). Also called: Cardiomyopathies. Identifiers: Orphanet 167848, MedGen C0878544, MONDO:0004994, HP:0001638. Inheritance: Various modes of inheritance.

Submission:

Color Diagnostics, LLC DBA Color Health
Classification: Uncertain significance for Cardiomyopathy. Last evaluated: 2024-03-06. Review status: criteria provided, single submitter. Criteria: ACMG Guidelines, 2015. Collection method: clinical testing. Allele origin: germline.
Comment: This missense variant replaces tryptophan with glycine at codon 3249 of the RYR2 protein. Computational prediction suggests that this variant may have deleterious impact on protein structure and function (internally defined REVEL score threshold >= 0.7, PMID: 27666373). Splice site prediction tools suggest that this variant may not impact RNA splicing. To our knowledge, functional studies have not been performed for this variant. This variant has not been reported in individuals affected with cardiovascular disorders in the literature. This variant has not been identified in the general population by the Genome Aggregation Database (gnomAD). The available evidence is insufficient to determine the role of this variant in disease conclusively. Therefore, this variant is classified as a Variant of Uncertain Significance.

NM_001035.3(RYR2):c.9745T>G (p.Trp3249Gly)

Gene: RYR2 (ryanodine receptor 2; plus strand). Cytogenetic location: 1q43.
Variant type: single nucleotide variant.
Coding change: c.9745T>G on transcript NM_001035.3 (MANE Select); coding-DNA position 9745, T replaced by G.
Protein change: p.Trp3249Gly; replaces tryptophan 3249 with glycine.
Molecular consequence: missense variant.
Genome position (GRCh38, 1-based): chr1:237,707,113, T>G. VCF-style: chr1-237707113-T-G. GRCh37 (hg19) VCF-style: chr1-237870413-T-G.
Other names: short protein forms W3249G.
Identifiers: ClinVar variation 920008 (VCV000920008.4), dbSNP rs1688448137, ClinGen allele CA345408712.